The following is an entry in ClinVar:

NM_001130987.2(DYSF):c.2744C>T (p.Thr915Met)

Gene: DYSF (dysferlin; plus strand). Cytogenetic location: 2p13.2.
Variant type: single nucleotide variant.
Coding change: c.2744C>T on transcript NM_001130987.2 (MANE Select); coding-DNA position 2744, C replaced by T.
Protein change: p.Thr915Met; replaces threonine 915 with methionine.
Molecular consequence: missense variant.
Genome position (GRCh38, 1-based): chr2:71,568,218, C>T. VCF-style: chr2-71568218-C-T. GRCh37 (hg19) VCF-style: chr2-71795348-C-T.
Other names: c.2693C>T, p.Thr898Met (NM_001130455.2, NM_001130983.2); c.2648C>T, p.Thr883Met (NM_001130976.2, NM_001130977.2); c.2690C>T, p.Thr897Met (NM_001130978.2, NM_003494.4); c.2783C>T, p.Thr928Met (NM_001130979.2); c.2741C>T, p.Thr914Met (NM_001130980.2, NM_001130981.2); c.2786C>T, p.Thr929Met (NM_001130982.2); c.2651C>T, p.Thr884Met (NM_001130984.2, NM_001130986.2); c.2744C>T, p.Thr915Met (NM_001130985.2); short protein forms T897M, T915M, T883M, T884M, T914M, T928M, T898M, T929M.
Identifiers: ClinVar variation 585815 (VCV000585815.16), dbSNP rs769739410, ClinGen allele CA1706275.

ClinVar aggregate classification (germline): Conflicting classifications of pathogenicity. Review status: criteria provided, conflicting classifications (1 of 4 stars). 7 submissions from 7 submitters: Uncertain significance (5); Likely benign (1). 1 of the submissions does not count toward it. Last evaluated 2025-08-18.

Conditions:
Neuromuscular disease caused by qualitative or quantitative defects of dysferlin. Also called: Dysferlinopathy; Qualitative or quantitative defects of dysferlin. Identifiers: Orphanet 207073, MedGen C2931687, MONDO:0016145.
Autosomal recessive limb-girdle muscular dystrophy type 2B (LGMDR2). Also called: MUSCULAR DYSTROPHY, LIMB-GIRDLE, AUTOSOMAL RECESSIVE 2; Limb-girdle muscular dystrophy, type 2B; MUSCULAR DYSTROPHY, LIMB-GIRDLE, TYPE 3; Limb-Girdle Muscular Dystrophy Type 2B (LGMD2B). Identifiers: Orphanet 268, MedGen C1850889, MONDO:0009676, OMIM 253601.
Inborn genetic diseases. Identifiers: MedGen C0950123, MeSH D030342.

Allele frequency attached by ClinVar (database versions not stated): gnomAD exomes 0.00003 and 0.00004; gnomAD 0.00004 and 0.00003; ExAC 0.00002; TOPMed 0.00002.
gnomAD v4.1: 54 of 1,614,126 alleles (0.0033%); highest among the groups gnomAD compares: Admixed American, 0.0083%; no homozygotes.

Submissions (7):

Labcorp Genetics (formerly Invitae), Labcorp
Classification: Likely benign for Neuromuscular disease caused by qualitative or quantitative defects of dysferlin. Last evaluated: 2025-08-18. Review status: criteria provided, single submitter. Criteria: Invitae Variant Classification Sherloc (09022015). Collection method: clinical testing. Allele origin: germline.

Revvity Omics, Revvity
Classification: Uncertain significance. Last evaluated: 2024-03-28. Review status: criteria provided, single submitter. Criteria: ACMG Guidelines, 2015. Collection method: clinical testing. Allele origin: germline.

Women's Health and Genetics/Laboratory Corporation of America, LabCorp
Classification: Uncertain significance. Last evaluated: 2023-08-09. Review status: criteria provided, single submitter. Criteria: LabCorp Variant Classification Summary - May 2015. Collection method: clinical testing. Allele origin: germline.
Comment: Variant summary: DYSF c.2690C>T (p.Thr897Met) results in a non-conservative amino acid change located in the Peroxin/Ferlin domain (IPR006614) of the encoded protein sequence. Four of five in-silico tools predict a benign effect of the variant on protein function. The variant allele was found at a frequency of 4.4e-05 in 251462 control chromosomes (gnomAD). This frequency is not significantly higher than estimated for a pathogenic variant in DYSF causing Limb-Girdle Muscular Dystrophy, Autosomal Recessive (4.4e-05 vs 0.0031), allowing no conclusion about variant significance. To our knowledge, no occurrence of c.2690C>T in individuals affected with Limb-Girdle Muscular Dystrophy, Autosomal Recessive and no experimental evidence demonstrating its impact on protein function have been reported. Six ClinVar submitters have assessed the variant since 2014: five classified the variant as uncertain significance and one as likely benign. Based on the evidence outlined above, the variant was classified as uncertain significance.

Ambry Genetics
Classification: Uncertain significance for Inborn genetic diseases. Last evaluated: 2022-08-08. Review status: criteria provided, single submitter. Criteria: Ambry Variant Classification Scheme 2023. Collection method: clinical testing. Allele origin: germline.

GeneDx
Classification: Uncertain significance. Last evaluated: 2020-01-22. Review status: criteria provided, single submitter. Criteria: GeneDx Variant Classification Process June 2021. Collection method: clinical testing. Allele origin: germline. Affected: yes.
Comment: Not observed at a significant frequency in large population cohorts (Lek et al., 2016); In silico analysis, which includes protein predictors and evolutionary conservation, supports a deleterious effect; Has not been previously published as pathogenic or benign to our knowledge

Athena Diagnostics
Classification: Uncertain significance. Last evaluated: 2018-04-09. Review status: criteria provided, single submitter. Criteria: Athena Diagnostics Criteria. Collection method: clinical testing. Allele origin: germline.

Natera, Inc.
Classification: Uncertain significance for Limb-girdle muscular dystrophy type 2B. Last evaluated: 2019-10-28. Review status: no assertion criteria provided. Collection method: clinical testing. Allele origin: germline. Not counted in ClinVar's aggregate classification.